The following is an entry in ClinVar:

NM_144670.6(A2ML1):c.4295C>G (p.Thr1432Ser)

Gene: A2ML1 (alpha-2-macroglobulin like 1; plus strand). Cytogenetic location: 12p13.31.
Variant type: single nucleotide variant.
Coding change: c.4295C>G on transcript NM_144670.6 (MANE Select); coding-DNA position 4295, C replaced by G.
Protein change: p.Thr1432Ser; replaces threonine 1432 with serine.
Molecular consequence: missense variant.
Genome position (GRCh38, 1-based): chr12:8,874,498, C>G. VCF-style: chr12-8874498-C-G. GRCh37 (hg19) VCF-style: chr12-9027094-C-G.
Other names: c.2822C>G, p.Thr941Ser (NM_001282424.3); short protein forms T941S, T1432S.
Identifiers: ClinVar variation 2626054 (VCV002626054.3), dbSNP rs1254791489, ClinGen allele CA383814599.

ClinVar aggregate classification (germline): Uncertain significance (1 of 4 stars; one submission).

Allele frequency attached by ClinVar (database versions not stated): gnomAD exomes below 0.00001; TOPMed 0.00001; gnomAD 0.00001.
gnomAD v4.1: 3 of 1,613,908 alleles (0.00019%); highest among the groups gnomAD compares: African/African-American, 0.004%; no homozygotes.

Submission:

Ambry Genetics
Classification: Uncertain significance. Last evaluated: 2025-12-11. Review status: criteria provided, single submitter. Criteria: Ambry Variant Classification Scheme 2023. Collection method: clinical testing. Allele origin: germline.
Comment: The p.T1432S variant (also known as c.4295C>G), located in coding exon 34 of the A2ML1 gene, results from a C to G substitution at nucleotide position 4295. The threonine at codon 1432 is replaced by serine, an amino acid with similar properties. This amino acid position is conserved. In addition, this alteration is predicted to be tolerated by in silico analysis. Since supporting evidence is limited at this time, the clinical significance of this alteration remains unclear.